The following is an entry in ClinVar:

ClinVar aggregate classification (germline): Uncertain significance (1 of 4 stars; one submission).

Submission:

CeGaT Center for Human Genetics Tuebingen
Classification: Uncertain significance. Last evaluated: 2025-04-01. Review status: criteria provided, single submitter. Criteria: CeGaT Center For Human Genetics Tuebingen Variant Classification Criteria Version 2. Collection method: clinical testing. Allele origin: germline. Affected: yes. Observed: 1 variant allele.
Comment: CSNK1G1: PM2

NM_022048.5(CSNK1G1):c.997A>G (p.Ile333Val)

Gene: CSNK1G1 (casein kinase 1 gamma 1; minus strand). Cytogenetic location: 15q22.31.
Variant type: single nucleotide variant.
Coding change: c.997A>G on transcript NM_022048.5 (MANE Select); coding-DNA position 997, A replaced by G.
Protein change: p.Ile333Val; replaces isoleucine 333 with valine.
Molecular consequence: missense variant.
Genome position (GRCh38, 1-based): chr15:64,204,443, T>C on the plus strand (A>G on the coding strand, the complement: CSNK1G1 is on the minus strand). VCF-style: chr15-64204443-T-C. GRCh37 (hg19) VCF-style: chr15-64496642-T-C.
Other names: c.997A>G, p.Ile333Val (NM_001329605.2, NM_001329606.2, NM_001329607.2); short protein forms I333V.
Identifiers: ClinVar variation 3898623 (VCV003898623.7).
Genomic context (GRCh38, chr15:64,204,443, plus strand): 5'-TGCTGGTTGGAGAAAGGAGGTAATGAGGTTAAAAAAAAAAAAAAAAAAGGATACTTACAA[T>C]AGGTCTCCCAACCCAATCATAGGCATAGTCAAAGGTGTAGCCTTTCTTTTCAAAGAGGTC-3'
Protein context (NP_071331.2, residues 323-343): DYAYDWVGRP[Ile333Val]PTPVGSVHVD